The following is an entry in ClinVar:

NM_017999.5(RNF31):c.1805G>C (p.Gly602Ala)

Gene: RNF31 (ring finger protein 31; plus strand). Cytogenetic location: 14q12.
Variant type: single nucleotide variant.
Coding change: c.1805G>C on transcript NM_017999.5 (MANE Select); coding-DNA position 1805, G replaced by C.
Protein change: p.Gly602Ala; replaces glycine 602 with alanine.
Molecular consequence: missense variant.
Genome position (GRCh38, 1-based): chr14:24,151,552, G>C. VCF-style: chr14-24151552-G-C. GRCh37 (hg19) VCF-style: chr14-24620761-G-C.
Other names: c.1352G>C, p.Gly451Ala (NM_001310332.2); short protein forms G602A, G451A.
Identifiers: ClinVar variation 1355943 (VCV001355943.6), dbSNP rs370236802, ClinGen allele CA7125891.

ClinVar aggregate classification (germline): Uncertain significance (1 of 4 stars; one submission).

Allele frequency attached by ClinVar (database versions not stated): gnomAD exomes below 0.00001 and 0.00001; ExAC 0.00001; gnomAD 0.00001 and 0.00053; ESP Exome Variant Server 0.00008; TOPMed 0.00080.
gnomAD v4.1: 91 of 1,614,094 alleles (0.0056%); highest among the groups gnomAD compares: Non-Finnish European, 0.0011%; 2 homozygotes.

Submission:

Labcorp Genetics (formerly Invitae), Labcorp
Classification: Uncertain significance. Last evaluated: 2025-03-30. Review status: criteria provided, single submitter. Criteria: Invitae Variant Classification Sherloc (09022015). Collection method: clinical testing. Allele origin: germline.
Comment: This sequence change replaces glycine, which is neutral and non-polar, with alanine, which is neutral and non-polar, at codon 602 of the RNF31 protein (p.Gly602Ala). This variant is present in population databases (rs370236802, gnomAD 0.0009%). This variant has not been reported in the literature in individuals affected with RNF31-related conditions. ClinVar contains an entry for this variant (Variation ID: 1355943). An algorithm developed to predict the effect of missense changes on protein structure and function (PolyPhen-2) suggests that this variant is likely to be tolerated. In summary, the available evidence is currently insufficient to determine the role of this variant in disease. Therefore, it has been classified as a Variant of Uncertain Significance.